The following is an entry in ClinVar:

ClinVar aggregate classification (germline): Likely pathogenic. Review status: criteria provided, single submitter (1 of 4 stars). 2 submissions from 2 submitters: Likely pathogenic (1). 1 of the submissions does not count toward it. Last evaluated 2025-01-31.

Conditions:
Hypogonadotropic hypogonadism 12 with or without anosmia (HH12). Also called: Gonadotropin deficiency familial idiopathic; GNRH1-Related GnRH Deficiency. Identifiers: Orphanet 432, MedGen C1856897, MONDO:0013914, OMIM 614841.

Allele frequency attached by ClinVar (database versions not stated): gnomAD exomes 0.00002.

Submissions (2):

Laboratorio de Genetica e Diagnostico Molecular, Hospital Israelita Albert Einstein
Classification: Likely pathogenic for Hypogonadotropic hypogonadism 12 with or without anosmia. Last evaluated: 2025-01-31. Review status: criteria provided, single submitter. Criteria: ACMG Guidelines, 2015. Collection method: clinical testing. Allele origin: germline. Affected: yes.
Comment: ACMG classification criteria: PVS1 very strong, PM2 supporting

OMIM
Classification: Uncertain significance for VARIANT OF UNKNOWN SIGNIFICANCE. Last evaluated: 2009-07-14. Review status: no assertion criteria provided. Collection method: literature only. Allele origin: germline. Not counted in ClinVar's aggregate classification.

Literature cited by the submitters: PubMed 19567835 (cited by OMIM).

NM_001083111.2(GNRH1):c.87del (p.Leu30fs)

Gene: GNRH1 (gonadotropin releasing hormone 1; minus strand). Cytogenetic location: 8p21.2.
Variant type: Deletion.
Coding change: c.87del on transcript NM_001083111.2 (MANE Select); coding-DNA position 87, one base deleted (A; older notation c.87delA).
Protein change: p.Leu30fs; shifts the reading frame from leucine 30.
Molecular consequence: frameshift variant.
Genome position (GRCh38, 1-based): chr8:25,423,244, T deleted on the plus strand (A on the coding strand, the reverse complement: GNRH1 is on the minus strand). VCF-style (leftmost placement, unchanged base first): chr8-25423243-GT-G. GRCh37 (hg19) VCF-style: chr8-25280759-GT-G.
Other names: c.99del, p.Leu34fs (NM_000825.3); short protein forms L34fs, L30fs.
Identifiers: ClinVar variation 156555 (VCV000156555.3), dbSNP rs587777859, ClinGen allele CA233252.
Genomic context (GRCh38, chr8:25,423,243, plus strand): 5'-AACTTACCTCTTGGAAAGAATCAATCAAATTTTCGGCATCTCTCTTTCCTCCAGGGCGCA[GT>G]CCATAGGACCAGTGCTGGCTGGAGCAGCCTTCCACGCACCAAGTCAGTAGAATAAGGCCA-3'